The following is an entry in ClinVar:

ClinVar aggregate classification (germline): Uncertain significance (1 of 4 stars; one submission).

Submission:

GeneDx
Classification: Uncertain significance. Last evaluated: 2026-02-13. Review status: criteria provided, single submitter. Criteria: GeneDx Variant Classification Process June 2021. Collection method: clinical testing. Allele origin: germline. Affected: yes.
Comment: Not observed at significant frequency in large population cohorts (gnomAD); Canonical splice site variant in a gene or region of a gene for which loss of function is not a well-established mechanism of disease; Has not been previously published as pathogenic or benign to our knowledge

NM_021072.4(HCN1):c.1011+1G>T

Gene: HCN1 (hyperpolarization activated cyclic nucleotide gated potassium channel 1; minus strand). Cytogenetic location: 5p12.
Variant type: single nucleotide variant.
Coding change: c.1011+1G>T on transcript NM_021072.4 (MANE Select); the canonical splice donor site of the intron after coding-DNA position 1011, G replaced by T.
Molecular consequence: splice donor variant.
Genome position (GRCh38, 1-based): chr5:45,461,845, C>A on the plus strand (G>T on the coding strand, the complement: HCN1 is on the minus strand). VCF-style: chr5-45461845-C-A. GRCh37 (hg19) VCF-style: chr5-45461947-C-A.
Identifiers: ClinVar variation 1712221 (VCV001712221.3), dbSNP rs2478144994, ClinGen allele CA359704613.